The following is an entry in ClinVar:

ClinVar aggregate classification (germline): Uncertain significance. Review status: criteria provided, multiple submitters, no conflicts (2 of 4 stars). 2 submissions from 2 submitters: Uncertain significance (2). Last evaluated 2024-05-17.

Conditions:
Cardiovascular phenotype. Identifiers: MedGen CN230736.

Allele frequency attached by ClinVar (database versions not stated): gnomAD exomes below 0.00001; gnomAD 0.00001; ExAC 0.00009.
gnomAD v4.1: 7 of 1,546,154 alleles (0.00045%); highest among the groups gnomAD compares: African/African-American, 0.0027%; no homozygotes.

Submissions (2):

Ambry Genetics
Classification: Uncertain significance for Cardiovascular phenotype. Last evaluated: 2024-05-17. Review status: criteria provided, single submitter. Criteria: Ambry Variant Classification Scheme 2023. Collection method: clinical testing. Allele origin: germline.
Comment: The p.P911S variant (also known as c.2731C>T), located in coding exon 1 of the ZNF469 gene, results from a C to T substitution at nucleotide position 2731. The proline at codon 911 is replaced by serine, an amino acid with similar properties. This amino acid position is conserved. In addition, this alteration is predicted to be tolerated by in silico analysis. Based on the available evidence, the clinical significance of this variant remains unclear.

Labcorp Genetics (formerly Invitae), Labcorp
Classification: Uncertain significance. Last evaluated: 2022-04-08. Review status: criteria provided, single submitter. Criteria: Invitae Variant Classification Sherloc (09022015). Collection method: clinical testing. Allele origin: germline.
Comment: This sequence change replaces proline, which is neutral and non-polar, with serine, which is neutral and polar, at codon 911 of the ZNF469 protein (p.Pro911Ser). This variant is present in population databases (rs775593194, gnomAD 0.004%). This variant has not been reported in the literature in individuals affected with ZNF469-related conditions. Algorithms developed to predict the effect of missense changes on protein structure and function output the following: SIFT: "Tolerated"; PolyPhen-2: "Benign"; Align-GVGD: "Class C0". The serine amino acid residue is found in multiple mammalian species, which suggests that this missense change does not adversely affect protein function. In summary, the available evidence is currently insufficient to determine the role of this variant in disease. Therefore, it has been classified as a Variant of Uncertain Significance.

NM_001367624.2(ZNF469):c.2731C>T (p.Pro911Ser)

Gene: ZNF469 (zinc finger protein 469; plus strand). Cytogenetic location: 16q24.2.
Variant type: single nucleotide variant.
Coding change: c.2731C>T on transcript NM_001367624.2 (MANE Select); coding-DNA position 2731, C replaced by T.
Protein change: p.Pro911Ser; replaces proline 911 with serine.
Molecular consequence: missense variant.
Genome position (GRCh38, 1-based): chr16:88,430,201, C>T. VCF-style: chr16-88430201-C-T. GRCh37 (hg19) VCF-style: chr16-88496609-C-T.
Other names: NM_001127464.1:c.2731C>T; short protein forms P911S.
Identifiers: ClinVar variation 1900629 (VCV001900629.3), dbSNP rs775593194, ClinGen allele CA8224798.